The following is an entry in ClinVar:

NM_014049.5(ACAD9):c.1597del (p.Val533fs)

Genes: ACAD9 (acyl-CoA dehydrogenase family member 9; plus strand), CFAP92 (cilia and flagella associated protein 92 (putative); minus strand). Cytogenetic location: 3q21.3.
Variant type: Deletion.
Coding change: c.1597del on transcript NM_014049.5 (MANE Select); coding-DNA position 1597, one base deleted (G; older notation c.1597delG).
Protein change: p.Val533fs; shifts the reading frame from valine 533.
Molecular consequence: frameshift variant. On other transcripts: non-coding transcript variant (1), 3 prime UTR variant (3).
Genome position (GRCh38, 1-based): chr3:128,910,054, G deleted; the last of 3 consecutive G bases (chr3:128,910,052-128,910,054); deleting any one gives the same sequence. VCF-style (leftmost placement, unchanged base first): chr3-128910051-CG-C. GRCh37 (hg19) VCF-style: chr3-128628894-CG-C.
Other names: c.1228del, p.Val410fs (NM_001410805.1); c.*247del (NM_001348520.2, NM_001348521.2, NM_001394090.1); short protein forms V410fs, V533fs.
Identifiers: ClinVar variation 2679725 (VCV002679725.3), dbSNP rs2529283141, ClinGen allele CA2586972945.
Genomic context (GRCh38, chr3:128,910,051, plus strand): 5'-AGTCCCCACTTGGAGCCTCTGTGATCCCAGACCATCATGGAGGAGCAGCTGGTACTGAAG[CG>C]GGTGGCCAACATCCTCATCAACCTGTATGGCATGACGGCCGTGCTGTCGCGGGCCAGCCG-3'

ClinVar aggregate classification (germline): Pathogenic/Likely pathogenic. Review status: criteria provided, multiple submitters, no conflicts (2 of 4 stars). 3 submissions from 3 submitters: Pathogenic (1); Likely pathogenic (2). Last evaluated 2026-01-19.

Conditions:
Acyl-CoA dehydrogenase 9 deficiency. Also called: MITOCHONDRIAL COMPLEX I DEFICIENCY, NUCLEAR TYPE 20; Acyl-CoA dehydrogenase family, member 9, deficiency of. Identifiers: Orphanet 99901, MedGen C4747517, MONDO:0012624, OMIM 611126.

Submissions (3):

Labcorp Genetics (formerly Invitae), Labcorp
Classification: Pathogenic. Last evaluated: 2026-01-19. Review status: criteria provided, single submitter. Criteria: Invitae Variant Classification Sherloc (09022015). Collection method: clinical testing. Allele origin: germline.
Comment: This sequence change creates a premature translational stop signal (p.Val533Trpfs*11) in the ACAD9 gene. It is expected to result in an absent or disrupted protein product. Loss-of-function variants in ACAD9 are known to be pathogenic (PMID: 25721401). This variant is not present in population databases (gnomAD no frequency). This variant has not been reported in the literature in individuals affected with ACAD9-related conditions. ClinVar contains an entry for this variant (Variation ID: 2679725). For these reasons, this variant has been classified as Pathogenic.

Fulgent Genetics
Classification: Likely pathogenic for Acyl-CoA dehydrogenase 9 deficiency. Last evaluated: 2024-05-28. Review status: criteria provided, single submitter. Criteria: ACMG Guidelines, 2015. Collection method: clinical testing. Allele origin: germline.

Baylor Genetics
Classification: Likely pathogenic for Acyl-CoA dehydrogenase 9 deficiency. Last evaluated: 2023-01-19. Review status: criteria provided, single submitter. Criteria: ACMG Guidelines, 2015. Collection method: clinical testing. Allele origin: unknown.

Literature cited by the submitters: PubMed 25721401 (cited by Labcorp Genetics (formerly Invitae), Labcorp).